The following is an entry in ClinVar:

NM_017934.7(PHIP):c.3234T>C (p.Asp1078=)

Genes: IRAK1BP1 (interleukin 1 receptor associated kinase 1 binding protein 1; plus strand), PHIP (PHIP subunit of CUL4-Ring ligase complex; minus strand). Cytogenetic location: 6q14.1.
Variant type: single nucleotide variant.
Coding change: c.3234T>C on transcript NM_017934.7 (MANE Select); coding-DNA position 3234, T replaced by C.
Protein change: p.Asp1078=; no amino-acid change (aspartic acid 1078 retained).
Molecular consequence: synonymous variant.
Genome position (GRCh38, 1-based): chr6:78,966,028, A>G on the plus strand (T>C on the coding strand, the complement: PHIP is on the minus strand). VCF-style: chr6-78966028-A-G. GRCh37 (hg19) VCF-style: chr6-79675745-A-G.
Identifiers: ClinVar variation 3357734 (VCV003357734.1).

ClinVar aggregate classification (germline): Likely benign (0 of 4 stars; one submission).

Conditions:
PHIP-related disorder. Also called: PHIP-related condition; PHIP-related disorders.

gnomAD v4.1: 3 of 1,613,712 alleles (0.00019%); highest among the groups gnomAD compares: Admixed American, 0.0033%; no homozygotes.

Submission:

PreventionGenetics, part of Exact Sciences
Classification: Likely benign for PHIP-related condition. Last evaluated: 2021-06-16. Review status: no assertion criteria provided. Collection method: clinical testing. Allele origin: germline.
Comment: This variant is classified as likely benign based on ACMG/AMP sequence variant interpretation guidelines (Richards et al. 2015 PMID: 25741868, with internal and published modifications).